The following is an entry in ClinVar:

ClinVar aggregate classification (germline): Uncertain significance. Review status: criteria provided, multiple submitters, no conflicts (2 of 4 stars). 2 submissions from 2 submitters: Uncertain significance (2). Last evaluated 2026-06-19.

Conditions:
Dyskeratosis congenita, autosomal recessive 5 (DKCB5). Identifiers: MedGen C3554656, MONDO:0014076, OMIM 615190.
Pulmonary fibrosis and/or bone marrow failure, Telomere-related, 3. Also called: PULMONARY FIBROSIS AND/OR BONE MARROW FAILURE SYNDROME, TELOMERE-RELATED, 3. Identifiers: Orphanet 2032, MedGen C4225346, MONDO:0014613, OMIM 616373.
Inborn genetic diseases. Identifiers: MedGen C0950123, MeSH D030342.

Submissions (2):

Ambry Genetics
Classification: Uncertain significance for Inborn genetic diseases. Last evaluated: 2026-06-19. Review status: criteria provided, single submitter. Criteria: Ambry Variant Classification Scheme 2023. Collection method: clinical testing. Allele origin: germline.
Comment: The p.D403E variant (also known as c.1209C>A), located in coding exon 14 of the RTEL1 gene, results from a C to A substitution at nucleotide position 1209. The aspartic acid at codon 403 is replaced by glutamic acid, an amino acid with highly similar properties. This amino acid position is conserved. In addition, this alteration is predicted to be tolerated by in silico analysis. Based on the available evidence, the clinical significance of this variant remains unclear.

Labcorp Genetics (formerly Invitae), Labcorp
Classification: Uncertain significance for Dyskeratosis congenita, autosomal recessive 5; Pulmonary fibrosis and/or bone marrow failure, Telomere-related, 3. Last evaluated: 2022-12-16. Review status: criteria provided, single submitter. Criteria: Invitae Variant Classification Sherloc (09022015). Collection method: clinical testing. Allele origin: germline.
Comment: In summary, the available evidence is currently insufficient to determine the role of this variant in disease. Therefore, it has been classified as a Variant of Uncertain Significance. Algorithms developed to predict the effect of missense changes on protein structure and function output the following: SIFT: "Tolerated"; PolyPhen-2: "Benign"; Align-GVGD: "Class C0". The glutamic acid amino acid residue is found in multiple mammalian species, which suggests that this missense change does not adversely affect protein function. ClinVar contains an entry for this variant (Variation ID: 1054724). This variant has not been reported in the literature in individuals affected with RTEL1-related conditions. This variant is not present in population databases (gnomAD no frequency). This sequence change replaces aspartic acid, which is acidic and polar, with glutamic acid, which is acidic and polar, at codon 403 of the RTEL1 protein (p.Asp403Glu).

NM_001283009.2(RTEL1):c.1209C>A (p.Asp403Glu)

Genes: RTEL1-TNFRSF6B (RTEL1-TNFRSF6B readthrough (NMD candidate); plus strand), RTEL1 (regulator of telomere elongation helicase 1; plus strand). Cytogenetic location: 20q13.33.
Variant type: single nucleotide variant.
Coding change: c.1209C>A on transcript NM_001283009.2 (MANE Select); coding-DNA position 1209, C replaced by A.
Protein change: p.Asp403Glu; replaces aspartic acid 403 with glutamic acid.
Molecular consequence: missense variant. On other transcripts: non-coding transcript variant (1).
Genome position (GRCh38, 1-based): chr20:63,685,540, C>A. VCF-style: chr20-63685540-C-A. GRCh37 (hg19) VCF-style: chr20-62316893-C-A.
Other names: c.540C>A, p.Asp180Glu (NM_001283010.1); c.1209C>A, p.Asp403Glu (NM_016434.4); c.1281C>A, p.Asp427Glu (NM_032957.5); short protein forms D180E, D403E, D427E.
Identifiers: ClinVar variation 1054724 (VCV001054724.8), dbSNP rs781077567, ClinGen allele CA409675640.